The following is an entry in ClinVar:

ClinVar aggregate classification (germline): Uncertain significance (1 of 4 stars; one submission).

Conditions:
Hypertrophic cardiomyopathy. Also called: HYPERTROPHIC MYOCARDIOPATHY. Identifiers: Orphanet 217569, MedGen C0007194, MeSH D002312, MONDO:0005045, HP:0001639.

Submission:

Labcorp Genetics (formerly Invitae), Labcorp
Classification: Uncertain significance for Hypertrophic cardiomyopathy. Last evaluated: 2025-12-09. Review status: criteria provided, single submitter. Criteria: Invitae Variant Classification Sherloc (09022015). Collection method: clinical testing. Allele origin: germline.
Comment: This variant, c.568_621del, results in the deletion of 18 amino acid(s) of the MYOM1 protein (p.Thr190_Gln207del), but otherwise preserves the integrity of the reading frame. This variant is not present in population databases (gnomAD no frequency). This variant has not been reported in the literature in individuals affected with MYOM1-related conditions. ClinVar contains an entry for this variant (Variation ID: 1041295). Experimental studies and prediction algorithms are not available or were not evaluated, and the functional significance of this variant is currently unknown. In summary, the available evidence is currently insufficient to determine the role of this variant in disease. Therefore, it has been classified as a Variant of Uncertain Significance.

NM_003803.4(MYOM1):c.568_621del (p.Thr190_Gln207del)

Gene: MYOM1 (myomesin 1; minus strand). Cytogenetic location: 18p11.31.
Variant type: Deletion.
Coding change: c.568_621del on transcript NM_003803.4 (MANE Select); coding-DNA positions 568 to 621, 54 bases deleted.
Protein change: p.Thr190_Gln207del.
Molecular consequence: inframe deletion.
Genome position (GRCh38, 1-based): chr18:3,188,898-3,188,951, 54 bases deleted. GRCh37 (hg19): chr18:3,188,908-3,188,961.
Other names: c.568_621del, p.Thr190_Gln207del (NM_019856.2).
Identifiers: ClinVar variation 1041295 (VCV001041295.8), dbSNP rs2080863497, ClinGen allele CA2280912474.